The following is an entry in ClinVar:

NM_001394062.1(MACF1):c.1131G>A (p.Glu377=)

Gene: MACF1 (microtubule actin crosslinking factor 1; plus strand). Cytogenetic location: 1p34.3.
Variant type: single nucleotide variant.
Coding change: c.1131G>A on transcript NM_001394062.1 (MANE Select); coding-DNA position 1131, G replaced by A.
Protein change: p.Glu377=; no amino-acid change (glutamic acid 377 retained).
Molecular consequence: synonymous variant.
Genome position (GRCh38, 1-based): chr1:39,284,428, G>A. VCF-style: chr1-39284428-G-A. GRCh37 (hg19) VCF-style: chr1-39750100-G-A.
Other names: c.1146G>A, p.Glu382= (NM_012090.5).
Identifiers: ClinVar variation 5017362 (VCV005017362.1).

ClinVar aggregate classification (germline): Uncertain significance (1 of 4 stars; one submission).

Submission:

GeneDx
Classification: Uncertain significance. Last evaluated: 2026-03-30. Review status: criteria provided, single submitter. Criteria: GeneDx Variant Classification Process June 2021. Collection method: clinical testing. Allele origin: germline.
Comment: Not observed at significant frequency in large population cohorts (gnomAD); Has not been previously published as pathogenic or benign to our knowledge; In silico analysis is inconclusive as to whether the variant alters gene splicing. In the absence of RNA/functional studies, the actual effect of this sequence change is unknown.